The following is an entry in ClinVar:

ClinVar aggregate classification (germline): Pathogenic. Review status: reviewed by expert panel (3 of 4 stars). 4 submissions from 2 submitters: Pathogenic (1). 3 of the submissions do not count toward it. Last evaluated 2025-01-31.

Conditions:
GUCY2D-related recessive retinopathy. Also called: Recessive GUCY2D retinopathy. Identifiers: MedGen CN305603, MONDO:0100453.
Cone-rod dystrophy 6 (CORD6). Also called: RETINAL CONE DYSTROPHY 2; Cone dystrophy progressive. Identifiers: Orphanet 1872, MedGen C1866293, MONDO:0011143, OMIM 601777.
Leber congenital amaurosis 1 (LCA1). Also called: RETINAL BLINDNESS, CONGENITAL; AMAUROSIS CONGENITA OF LEBER I; Congenital absence of the rods and cones; Leber's congenital tapetoretinal degeneration; Leber's congenital tapetoretinal dysplasia. Identifiers: Orphanet 65, MedGen C2931258, MONDO:0008764, OMIM 204000.
Choroidal dystrophy, central areolar, 1. Identifiers: Orphanet 75377, MedGen C4551884, MONDO:0024539, OMIM 215500.

Submissions (4):

ClinGen Leber Congenital Amaurosis/early Onset Retinal Dystrophy Variant Curation Expert Panel, ClinGen
Classification: Pathogenic for GUCY2D-related recessive retinopathy. Last evaluated: 2025-01-31. Review status: reviewed by expert panel. Criteria: ClinGen LCAeoRD ACMG Specifications GUCY2D V1.0.0. Collection method: curation. Allele origin: germline. Inheritance: Autosomal recessive inheritance.
Comment: NM_000180.4(GUCY2D):c.2766C>G (p.Tyr922Ter) is a nonsense variant that introduces a premature stop codon into exon 15 of 20, and is predicted to lead to nonsense-mediated decay in a gene in which loss-of-function is an established mechanism of disease (PVS1). This variant is absent from gnomAD v4.1.0 (PM2_Supporting). This variant has been reported in at least 1 proband with early-onset severe retinal dystrophy who was homozygous for the variant (0.5 points, VCEP member-provided data, PM3_Supporting). In summary, this variant meets the criteria to be classified as pathogenic for GUCY2D-related recessive retinopathy based on the ACMG/AMP criteria applied, as specified by the ClinGen LCA/eoRD VCEP: PVS1, PM2_Supporting, and PM3_Supporting. (VCEP specifications version 1.0.0; date of approval 01/22/2025).

Genomic Research Center, Shahid Beheshti University of Medical Sciences
Classification: Pathogenic for Cone-rod dystrophy 6. Last evaluated: 2018-08-07. Review status: criteria provided, single submitter. Criteria: ACMG Guidelines, 2015. Collection method: clinical testing. Allele origin: inherited. Affected: yes. Observed: 1 variant allele. Not counted in ClinVar's aggregate classification.

Genomic Research Center, Shahid Beheshti University of Medical Sciences
Classification: Pathogenic for Leber congenital amaurosis 1. Last evaluated: 2018-08-07. Review status: criteria provided, single submitter. Criteria: ACMG Guidelines, 2015. Collection method: clinical testing. Allele origin: inherited. Affected: yes. Observed: 1 variant allele. Not counted in ClinVar's aggregate classification.

Genomic Research Center, Shahid Beheshti University of Medical Sciences
Classification: Pathogenic for Choroidal sclerosis. Last evaluated: 2018-08-07. Review status: criteria provided, single submitter. Criteria: ACMG Guidelines, 2015. Collection method: clinical testing. Allele origin: inherited. Affected: yes. Observed: 1 variant allele. Not counted in ClinVar's aggregate classification.

NM_000180.4(GUCY2D):c.2766C>G (p.Tyr922Ter)

Gene: GUCY2D (guanylate cyclase 2D, retinal; plus strand). Cytogenetic location: 17p13.1.
Variant type: single nucleotide variant.
Coding change: c.2766C>G on transcript NM_000180.4 (MANE Select); coding-DNA position 2766, C replaced by G.
Protein change: p.Tyr922Ter; replaces tyrosine 922 with a stop codon.
Molecular consequence: nonsense.
Genome position (GRCh38, 1-based): chr17:8,015,048, C>G. VCF-style: chr17-8015048-C-G. GRCh37 (hg19) VCF-style: chr17-7918366-C-G.
Other names: NM_000180.4(GUCY2D):c.2766C>G; p.Tyr922Ter; short protein forms Y922*.
Identifiers: ClinVar variation 587413 (VCV000587413.4), dbSNP rs1006935198, ClinGen allele CA287533367.